The following is an entry in ClinVar:

ClinVar aggregate classification (germline): Uncertain significance. Review status: criteria provided, multiple submitters, no conflicts (2 of 4 stars). 2 submissions from 2 submitters: Uncertain significance (2). Last evaluated 2025-05-12.

Conditions:
Hereditary cancer-predisposing syndrome. Also called: Hereditary neoplastic syndrome; Tumor predisposition; Hereditary Cancer Syndrome; Neoplastic Syndromes, Hereditary. Identifiers: Orphanet 140162, MedGen C0027672, MeSH D009386, MONDO:0015356.

Allele frequency attached by ClinVar (database versions not stated): gnomAD exomes below 0.00001.
gnomAD v4.1: 6 of 1,614,260 alleles (0.00037%); highest among the groups gnomAD compares: Non-Finnish European, 0.00051%; no homozygotes.

Submissions (2):

Ambry Genetics
Classification: Uncertain significance for Hereditary cancer-predisposing syndrome. Last evaluated: 2025-05-12. Review status: criteria provided, single submitter. Criteria: Ambry Variant Classification Scheme 2023. Collection method: clinical testing. Allele origin: germline.
Comment: The c.1323+4A>G intronic variant results from an A to G substitution 4 nucleotides after coding exon 13 in the MUTYH gene. This nucleotide position is not well conserved in available vertebrate species. In silico splice site analysis predicts that this alteration will result in the creation or strengthening of a novel splice donor site; however, direct evidence is insufficient at this time (Ambry internal data). Based on the available evidence, the clinical significance of this variant remains unclear.

Color Diagnostics, LLC DBA Color Health
Classification: Uncertain significance for Hereditary cancer-predisposing syndrome. Last evaluated: 2019-06-29. Review status: criteria provided, single submitter. Criteria: ACMG Guidelines, 2015. Collection method: clinical testing. Allele origin: germline.

NM_001048174.2(MUTYH):c.1239+4A>G

Gene: MUTYH (mutY DNA glycosylase; minus strand). Cytogenetic location: 1p34.1.
Variant type: single nucleotide variant.
Coding change: c.1239+4A>G on transcript NM_001048174.2 (MANE Select); 4 bases into the intron after coding-DNA position 1239, A replaced by G.
Molecular consequence: intron variant.
Genome position (GRCh38, 1-based): chr1:45,331,416, T>C on the plus strand (A>G on the coding strand, the complement: MUTYH is on the minus strand). VCF-style: chr1-45331416-T-C. GRCh37 (hg19) VCF-style: chr1-45797088-T-C.
Other names: c.894+4A>G (NM_001350651.2, NM_001350650.2); c.963+4A>G (NM_001293192.2, NM_001293196.2); c.1239+4A>G (NM_001048171.2, NM_001048173.2, NM_001293195.2); c.1284+4A>G (NM_001293190.2); c.1314+4A>G (NM_012222.3); c.1323+4A>G (NM_001128425.2); c.1242+4A>G (NM_001048172.2); c.1272+4A>G (NM_001293191.2).
Identifiers: ClinVar variation 492012 (VCV000492012.5), dbSNP rs774494767, ClinGen allele CA21835916.